The following is an entry in ClinVar:

NM_001164277.2(SLC37A4):c.793T>C (p.Tyr265His)

Gene: SLC37A4 (solute carrier family 37 member 4; minus strand). Cytogenetic location: 11q23.3.
Variant type: single nucleotide variant.
Coding change: c.793T>C on transcript NM_001164277.2 (MANE Select); coding-DNA position 793, T replaced by C.
Protein change: p.Tyr265His; replaces tyrosine 265 with histidine.
Molecular consequence: missense variant.
Genome position (GRCh38, 1-based): chr11:119,026,680, A>G on the plus strand (T>C on the coding strand, the complement: SLC37A4 is on the minus strand). VCF-style: chr11-119026680-A-G. GRCh37 (hg19) VCF-style: chr11-118897390-A-G.
Other names: c.793T>C, p.Tyr265His (NM_001164278.2, NM_001164280.2, NM_001467.6); c.574T>C, p.Tyr192His (NM_001164279.2); short protein forms Y192H, Y265H.
Identifiers: ClinVar variation 2189722 (VCV002189722.5), dbSNP rs2497021113, ClinGen allele CA382900590.

ClinVar aggregate classification (germline): Uncertain significance. Review status: criteria provided, single submitter (1 of 4 stars). 2 submissions from 2 submitters: Uncertain significance (1). 1 of the submissions does not count toward it. Last evaluated 2024-07-01.

Conditions:
Glucose-6-phosphate transport defect (GSD1B). Also called: Glycogen Storage Disease Type Ib; GSD Ib. Identifiers: Orphanet 364, Orphanet 79259, MedGen C0268146, MONDO:0009288, OMIM 232220.

Allele frequency attached by ClinVar (database versions not stated): gnomAD exomes below 0.00001.

Submissions (2):

Labcorp Genetics (formerly Invitae), Labcorp
Classification: Uncertain significance for Glucose-6-phosphate transport defect. Last evaluated: 2024-07-01. Review status: criteria provided, single submitter. Criteria: Invitae Variant Classification Sherloc (09022015). Collection method: clinical testing. Allele origin: germline.
Comment: This sequence change replaces tyrosine, which is neutral and polar, with histidine, which is basic and polar, at codon 265 of the SLC37A4 protein (p.Tyr265His). This variant is not present in population databases (gnomAD no frequency). This variant has not been reported in the literature in individuals affected with SLC37A4-related conditions. ClinVar contains an entry for this variant (Variation ID: 2189722). Advanced modeling of protein sequence and biophysical properties (such as structural, functional, and spatial information, amino acid conservation, physicochemical variation, residue mobility, and thermodynamic stability) performed at Invitae indicates that this missense variant is expected to disrupt SLC37A4 protein function with a positive predictive value of 80%. In summary, the available evidence is currently insufficient to determine the role of this variant in disease. Therefore, it has been classified as a Variant of Uncertain Significance.

Natera, Inc.
Classification: Uncertain significance for Glycogen storage disease type Ib. Last evaluated: 2025-01-13. Review status: no assertion criteria provided. Collection method: clinical testing. Allele origin: germline. Not counted in ClinVar's aggregate classification.